The following is an entry in ClinVar:

NM_005188.4(CBL):c.1507C>G (p.Leu503Val)

Gene: CBL (Cbl proto-oncogene; plus strand). Cytogenetic location: 11q23.3.
Variant type: single nucleotide variant.
Coding change: c.1507C>G on transcript NM_005188.4 (MANE Select); coding-DNA position 1507, C replaced by G.
Protein change: p.Leu503Val; replaces leucine 503 with valine.
Molecular consequence: missense variant.
Genome position (GRCh38, 1-based): chr11:119,285,044, C>G. VCF-style: chr11-119285044-C-G. GRCh37 (hg19) VCF-style: chr11-119155754-C-G.
Other names: short protein forms L503V.
Identifiers: ClinVar variation 3704921 (VCV003704921.2).
Genomic context (GRCh38, chr11:119,285,044, plus strand): 5'-TCTCCATTCTCCATGGCCCCACAAGCTTCCCTTCCCCCGGTGCCACCACGACTTGACCTT[C>G]TGCCGCAGCGAGTATGTGTTCCCTCAAGTGCTTCTGCTCTTGGAACTGCTTCTAAGGTAA-3'
Protein context (NP_005179.2, residues 493-513): LPPVPPRLDL[Leu503Val]PQRVCVPSSA

ClinVar aggregate classification (germline): Uncertain significance (1 of 4 stars; one submission).

Conditions:
RASopathy. Also called: rasopathies; Noonan spectrum disorder. Identifiers: Orphanet 536391, MedGen C5555857, MONDO:0021060.

Submission:

Labcorp Genetics (formerly Invitae), Labcorp
Classification: Uncertain significance for RASopathy. Last evaluated: 2024-08-02. Review status: criteria provided, single submitter. Criteria: Invitae Variant Classification Sherloc (09022015). Collection method: clinical testing. Allele origin: germline.
Comment: This sequence change replaces leucine, which is neutral and non-polar, with valine, which is neutral and non-polar, at codon 503 of the CBL protein (p.Leu503Val). This variant is not present in population databases (gnomAD no frequency). This variant has not been reported in the literature in individuals affected with CBL-related conditions. Advanced modeling of protein sequence and biophysical properties (such as structural, functional, and spatial information, amino acid conservation, physicochemical variation, residue mobility, and thermodynamic stability) performed at Invitae indicates that this missense variant is not expected to disrupt CBL protein function with a negative predictive value of 95%. In summary, the available evidence is currently insufficient to determine the role of this variant in disease. Therefore, it has been classified as a Variant of Uncertain Significance.